The following is an entry in ClinVar:

ClinVar aggregate classification (germline): Uncertain significance (1 of 4 stars; one submission).

Conditions:
Bethlem myopathy 1A. Also called: MYOPATHY, BENIGN CONGENITAL, WITH CONTRACTURES; Bethlem myopathy 1; Bethlem Muscular Dystrophy. Identifiers: Orphanet 610, MedGen CN029274, MONDO:0024530, OMIM 158810.

Submission:

Labcorp Genetics (formerly Invitae), Labcorp
Classification: Uncertain significance for Bethlem myopathy 1A. Last evaluated: 2023-06-29. Review status: criteria provided, single submitter. Criteria: Invitae Variant Classification Sherloc (09022015). Collection method: clinical testing. Allele origin: germline.
Comment: This variant, c.4976_4978del, results in the deletion of 1 amino acid(s) of the COL6A3 protein (p.Leu1659del), but otherwise preserves the integrity of the reading frame. This variant is not present in population databases (gnomAD no frequency). This variant has not been reported in the literature in individuals affected with COL6A3-related conditions. ClinVar contains an entry for this variant (Variation ID: 2100109). Experimental studies and prediction algorithms are not available or were not evaluated, and the functional significance of this variant is currently unknown. In summary, the available evidence is currently insufficient to determine the role of this variant in disease. Therefore, it has been classified as a Variant of Uncertain Significance.

NM_004369.4(COL6A3):c.4976_4978del (p.Leu1659del)

Gene: COL6A3 (collagen type VI alpha 3 chain; minus strand). Cytogenetic location: 2q37.3.
Variant type: Deletion.
Coding change: c.4976_4978del on transcript NM_004369.4 (MANE Select); coding-DNA positions 4976 to 4978, 3 bases deleted (TTC; older notation c.4976_4978delTTC).
Protein change: p.Leu1659del; deletes leucine 1659.
Genome position (GRCh38, 1-based): chr2:237,367,209-237,367,211, GAA deleted on the plus strand (TTC on the coding strand, the reverse complement: COL6A3 is on the minus strand); deleting any 3 consecutive bases within chr2:237,367,209-237,367,212 gives the same sequence; the c. name uses the placement nearest the transcript's 3' end. VCF-style (leftmost placement, unchanged base first): chr2-237367208-CGAA-C. GRCh37 (hg19) VCF-style: chr2-238275851-CGAA-C.
Other names: c.3155_3157del, p.Leu1052del (NM_057166.5); c.4358_4360del, p.Leu1453del (NM_057167.4); short protein forms L1052del, L1659del, L1453del.
Identifiers: ClinVar variation 2100109 (VCV002100109.4), dbSNP rs2469884638, ClinGen allele CA2580066118.